The following is an entry in ClinVar:

NM_001136157.2(OTUD5):c.1096A>C (p.Thr366Pro)

Gene: OTUD5 (OTU deubiquitinase 5; minus strand). Cytogenetic location: Xp11.23.
Variant type: single nucleotide variant.
Coding change: c.1096A>C on transcript NM_001136157.2 (MANE Select); coding-DNA position 1096, A replaced by C.
Protein change: p.Thr366Pro; replaces threonine 366 with proline.
Molecular consequence: missense variant.
Genome position (GRCh38, 1-based): chrX:48,926,014, T>G on the plus strand (A>C on the coding strand, the complement: OTUD5 is on the minus strand). VCF-style: chrX-48926014-T-G. GRCh37 (hg19) VCF-style: chrX-48783290-T-G.
Other names: c.1096A>C, p.Thr366Pro (NM_001136158.2); c.445A>C, p.Thr149Pro (NM_001136159.2); c.1111A>C, p.Thr371Pro (NM_017602.4); short protein forms T149P, T366P, T371P.
Identifiers: ClinVar variation 2632827 (VCV002632827.3), dbSNP rs2519728797, ClinGen allele CA412909046.

ClinVar aggregate classification (germline): Uncertain significance (0 of 4 stars; one submission).

Conditions:
OTUD5-related disorder. Also called: OTUD5-related condition.

Submission:

PreventionGenetics, part of Exact Sciences
Classification: Uncertain significance for OTUD5-related condition. Last evaluated: 2024-01-17. Review status: no assertion criteria provided. Collection method: clinical testing. Allele origin: germline.
Comment: The OTUD5 c.1111A>C variant is predicted to result in the amino acid substitution p.Thr371Pro. To our knowledge, this variant has not been reported in the literature or in a large population database, indicating this variant is rare. At this time, the clinical significance of this variant is uncertain due to the absence of conclusive functional and genetic evidence.